The following is an entry in ClinVar:

NM_058216.3(RAD51C):c.92G>C (p.Gly31Ala)

Gene: RAD51C (RAD51 paralog C; plus strand). Cytogenetic location: 17q22.
Variant type: single nucleotide variant.
Coding change: c.92G>C on transcript NM_058216.3 (MANE Select); coding-DNA position 92, G replaced by C.
Protein change: p.Gly31Ala; replaces glycine 31 with alanine.
Molecular consequence: missense variant. On other transcripts: non-coding transcript variant (1).
Genome position (GRCh38, 1-based): chr17:58,692,735, G>C. VCF-style: chr17-58692735-G-C. GRCh37 (hg19) VCF-style: chr17-56770096-G-C.
Other names: c.92G>C, p.Gly31Ala (NM_002876.4, NM_058217.1); short protein forms G31A.
Identifiers: ClinVar variation 3015866 (VCV003015866.3), dbSNP rs587781441, ClinGen allele CA400337211.

ClinVar aggregate classification (germline): Uncertain significance (1 of 4 stars; one submission).

Conditions:
Fanconi anemia complementation group O. Also called: RAD51C-Related Fanconi Anemia. Identifiers: Orphanet 84, MedGen C3150653, MONDO:0013248, OMIM 613390.

gnomAD v4.1: 2 of 1,614,230 alleles (0.00012%); highest among the groups gnomAD compares: Non-Finnish European, 0.00017%; no homozygotes.

Submission:

Labcorp Genetics (formerly Invitae), Labcorp
Classification: Uncertain significance for Fanconi anemia complementation group O. Last evaluated: 2024-05-19. Review status: criteria provided, single submitter. Criteria: Invitae Variant Classification Sherloc (09022015). Collection method: clinical testing. Allele origin: germline.
Comment: This sequence change replaces glycine, which is neutral and non-polar, with alanine, which is neutral and non-polar, at codon 31 of the RAD51C protein (p.Gly31Ala). This variant is not present in population databases (gnomAD no frequency). This variant has not been reported in the literature in individuals affected with RAD51C-related conditions. Advanced modeling of protein sequence and biophysical properties (such as structural, functional, and spatial information, amino acid conservation, physicochemical variation, residue mobility, and thermodynamic stability) performed at Invitae indicates that this missense variant is expected to disrupt RAD51C protein function with a positive predictive value of 80%. In summary, the available evidence is currently insufficient to determine the role of this variant in disease. Therefore, it has been classified as a Variant of Uncertain Significance.